The following is an entry in ClinVar:

ClinVar aggregate classification (germline): Uncertain significance. Review status: criteria provided, multiple submitters, no conflicts (2 of 4 stars). 2 submissions from 2 submitters: Uncertain significance (2). Last evaluated 2026-08-05.

Conditions:
MAK-related disorder. Also called: MAK-related condition.

Allele frequency attached by ClinVar (database versions not stated): gnomAD exomes below 0.00001; gnomAD 0.00001.
gnomAD v4.1: 2 of 1,613,956 alleles (0.00012%); highest among the groups gnomAD compares: African/African-American, 0.0027%; no homozygotes.

Submissions (2):

PreventionGenetics, part of Exact Sciences
Classification: Uncertain significance for MAK-related condition. Last evaluated: 2026-08-05. Review status: criteria provided, single submitter. Criteria: ACMG Guidelines, 2015. Collection method: clinical testing. Allele origin: germline.
Comment: The MAK c.557T>C variant is predicted to result in the amino acid substitution p.Val186Ala. To our knowledge, this variant has not been reported in the literature or in a large population database (gnomAD), indicating this variant is rare. At this time, the clinical significance of this variant is uncertain due to the absence of conclusive functional and genetic evidence.

Labcorp Genetics (formerly Invitae), Labcorp
Classification: Uncertain significance. Last evaluated: 2022-10-13. Review status: criteria provided, single submitter. Criteria: Invitae Variant Classification Sherloc (09022015). Collection method: clinical testing. Allele origin: germline.
Comment: This sequence change replaces valine, which is neutral and non-polar, with alanine, which is neutral and non-polar, at codon 186 of the MAK protein (p.Val186Ala). This variant is not present in population databases (gnomAD no frequency). This variant has not been reported in the literature in individuals affected with MAK-related conditions. Advanced modeling of protein sequence and biophysical properties (such as structural, functional, and spatial information, amino acid conservation, physicochemical variation, residue mobility, and thermodynamic stability) has been performed at Invitae for this missense variant, however the output from this modeling did not meet the statistical confidence thresholds required to predict the impact of this variant on MAK protein function. In summary, the available evidence is currently insufficient to determine the role of this variant in disease. Therefore, it has been classified as a Variant of Uncertain Significance.

NM_001242957.3(MAK):c.557T>C (p.Val186Ala)

Gene: MAK (male germ cell associated kinase; minus strand). Cytogenetic location: 6p24.2.
Variant type: single nucleotide variant.
Coding change: c.557T>C on transcript NM_001242957.3 (MANE Select); coding-DNA position 557, T replaced by C.
Protein change: p.Val186Ala; replaces valine 186 with alanine.
Molecular consequence: missense variant. On other transcripts: non-coding transcript variant (2).
Genome position (GRCh38, 1-based): chr6:10,803,826, A>G on the plus strand (T>C on the coding strand, the complement: MAK is on the minus strand). VCF-style: chr6-10803826-A-G. GRCh37 (hg19) VCF-style: chr6-10804059-A-G.
Other names: c.557T>C (NM_001242957.2); c.557T>C, p.Val186Ala (NM_001242385.2, NM_005906.6); c.455T>C, p.Val152Ala (NM_001377262.1); short protein forms V152A, V186A.
Identifiers: ClinVar variation 1936140 (VCV001936140.3), dbSNP rs1776200924, ClinGen allele CA362720588.